The following is an entry in ClinVar:

ClinVar aggregate classification (germline): Likely benign. Review status: criteria provided, single submitter (1 of 4 stars). 2 submissions from 2 submitters: Likely benign (1). 1 of the submissions does not count toward it. Last evaluated 2026-01-28.

Conditions:
TMEM67-related disorder. Also called: TMEM67-related condition; TMEM67-related disorders. Identifiers: MedGen CN239423.
Meckel-Gruber syndrome. Also called: Dysencephalia splachnocystica; DYSENCEPHALIA SPLANCHNOCYSTICA; GRUBER SYNDROME. Identifiers: Orphanet 564, MedGen C0265215, MONDO:0018921.
Joubert syndrome. Also called: JOUBERT-BOLTSHAUSER SYNDROME; Familial aplasia of the vermis. Identifiers: Orphanet 475, MedGen C5979921, MONDO:0018772.

Allele frequency attached by ClinVar (database versions not stated): gnomAD exomes 0.00001; ExAC 0.00002; gnomAD 0.00005; TOPMed 0.00007; 1000 Genomes Project 30x 0.00016; 1000 Genomes Project 0.00020.
gnomAD v4.1: 19 of 1,612,556 alleles (0.0012%); highest among the groups gnomAD compares: African/African-American, 0.025%; no homozygotes.

Submissions (2):

Labcorp Genetics (formerly Invitae), Labcorp
Classification: Likely benign for Joubert syndrome; Meckel-Gruber syndrome. Last evaluated: 2026-01-28. Review status: criteria provided, single submitter. Criteria: Invitae Variant Classification Sherloc (09022015). Collection method: clinical testing. Allele origin: germline.

PreventionGenetics, part of Exact Sciences
Classification: Likely benign for TMEM67-related condition. Last evaluated: 2024-09-16. Review status: no assertion criteria provided. Collection method: clinical testing. Allele origin: germline. Not counted in ClinVar's aggregate classification.
Comment: This variant is classified as likely benign based on ACMG/AMP sequence variant interpretation guidelines (Richards et al. 2015 PMID: 25741868, with internal and published modifications).

NM_153704.6(TMEM67):c.1263A>G (p.Gln421=)

Gene: TMEM67 (transmembrane protein 67; plus strand). Cytogenetic location: 8q22.1.
Variant type: single nucleotide variant.
Coding change: c.1263A>G on transcript NM_153704.6 (MANE Select); coding-DNA position 1263, A replaced by G.
Protein change: p.Gln421=; no amino-acid change (glutamine 421 retained).
Molecular consequence: synonymous variant. On other transcripts: non-coding transcript variant (1).
Genome position (GRCh38, 1-based): chr8:93,785,353, A>G. VCF-style: chr8-93785353-A-G. GRCh37 (hg19) VCF-style: chr8-94797581-A-G.
Other names: c.1020A>G, p.Gln340= (NM_001142301.1).
Identifiers: ClinVar variation 2926269 (VCV002926269.4), dbSNP rs562251879, ClinGen allele CA4807909.